The following is an entry in ClinVar:

NM_000051.4(ATM):c.6194_6197dup (p.Gln2066fs)

Genes: ATM (ATM serine/threonine kinase; plus strand), C11orf65 (chromosome 11 open reading frame 65; minus strand). Cytogenetic location: 11q22.3.
Variant type: Duplication.
Coding change: c.6194_6197dup on transcript NM_000051.4 (MANE Select); coding-DNA positions 6194 to 6197, 4 bases duplicated (TTCA; older notation c.6194_6197dupTTCA).
Protein change: p.Gln2066fs; shifts the reading frame from glutamine 2066.
Molecular consequence: frameshift variant. On other transcripts: intron variant (2).
Genome position (GRCh38, 1-based): chr11:108,316,109-108,316,112, TTCA duplicated; duplicating any 4 consecutive bases within chr11:108,316,106-108,316,112 gives the same sequence; the c. name uses the placement nearest the transcript's 3' end. VCF-style (leftmost placement, unchanged base first): chr11-108316105-A-ATCAT. GRCh37 (hg19) VCF-style: chr11-108186832-A-ATCAT.
Other names: c.6194_6197dup, p.Gln2066fs (NM_001351834.2); c.641-7038_641-7035dup (NM_001330368.2); c.*39-7038_*39-7035dup (NM_001351110.2); c.6194_6197dupTTCA (NM_000051.3); short protein forms Q2066fs.
Identifiers: ClinVar variation 2573299 (VCV002573299.2), dbSNP rs2547097205, ClinGen allele CA2580615046.
Genomic context (GRCh38, chr11:108,316,105, plus strand): 5'-AAAGCCCTAGTAACATATGACCTCGAAACAGCAATCCCCTCATCAACACGCCAGGCAGGA[A>ATCAT]TCATTCAGGTACATTTTTTCCCAGATTTGGTAAAGCCATCACTAGTGTAGTGCTGAGGTT-3'

ClinVar aggregate classification (germline): Pathogenic. Review status: criteria provided, multiple submitters, no conflicts (2 of 4 stars). 2 submissions from 2 submitters: Pathogenic (2). Last evaluated 2025-05-20.

Conditions:
Hereditary cancer-predisposing syndrome. Also called: Hereditary Cancer Syndrome; Hereditary neoplastic syndrome; Neoplastic Syndromes, Hereditary; Tumor predisposition. Identifiers: Orphanet 140162, MedGen C0027672, MeSH D009386, MONDO:0015356.
Familial cancer of breast. Also called: BREAST CANCER, FAMILIAL; Hereditary breast cancer; hereditary breast carcinoma. Identifiers: Orphanet 227535, MedGen C0346153, MONDO:0016419, OMIM 114480. Disease mechanism: loss of function.

Submissions (2):

Ambry Genetics
Classification: Pathogenic for Hereditary cancer-predisposing syndrome. Last evaluated: 2025-05-20. Review status: criteria provided, single submitter. Criteria: Ambry Variant Classification Scheme 2023. Collection method: clinical testing. Allele origin: germline.
Comment: The c.6194_6197dupTTCA pathogenic mutation, located in coding exon 41 of the ATM gene, results from a duplication of TTCA at nucleotide position 6194, causing a translational frameshift with a predicted alternate stop codon (p.Q2066Hfs*23). This alteration is expected to result in loss of function by premature protein truncation or nonsense-mediated mRNA decay. This variant is considered to be rare based on population cohorts in the Genome Aggregation Database (gnomAD). As such, this alteration is interpreted as a disease-causing mutation.

Myriad Genetics, Inc.
Classification: Pathogenic for Familial cancer of breast. Last evaluated: 2023-02-23. Review status: criteria provided, single submitter. Criteria: Myriad Autosomal Dominant, Autosomal Recessive and X-Linked Classification Criteria (2023). Collection method: clinical testing. Allele origin: unknown.
Comment: This variant is considered pathogenic. This variant creates a frameshift predicted to result in premature protein truncation.